The following is an entry in ClinVar:

ClinVar aggregate classification (germline): Pathogenic (1 of 4 stars; one submission).

Conditions:
Telangiectasia, hereditary hemorrhagic, type 2 (HHT2). Also called: ACVRL1-Related Hereditary Hemorrhagic Telangiectasia; Telangiectasia, hereditary hemorrhagic, type II. Identifiers: Orphanet 774, MedGen C1838163, MONDO:0010880, OMIM 600376. Disease mechanism: loss of function.

Submission:

Labcorp Genetics (formerly Invitae), Labcorp
Classification: Pathogenic for Telangiectasia, hereditary hemorrhagic, type 2. Last evaluated: 2021-10-21. Review status: criteria provided, single submitter. Criteria: Invitae Variant Classification Sherloc (09022015). Collection method: clinical testing. Allele origin: germline.
Comment: For these reasons, this variant has been classified as Pathogenic. This variant has not been reported in the literature in individuals affected with ACVRL1-related conditions. This variant is not present in population databases (gnomAD no frequency). This sequence change creates a premature translational stop signal (p.Ser167Cysfs*85) in the ACVRL1 gene. It is expected to result in an absent or disrupted protein product. Loss-of-function variants in ACVRL1 are known to be pathogenic (PMID: 15879500).

Literature cited by the submitters: PubMed 15879500.

NM_000020.3(ACVRL1):c.500_518del (p.Ser167fs)

Gene: ACVRL1 (activin A receptor like type 1; plus strand). Cytogenetic location: 12q13.13.
Variant type: Deletion.
Coding change: c.500_518del on transcript NM_000020.3 (MANE Select); coding-DNA positions 500 to 518, 19 bases deleted (CTGAGCAGGGCGACAGCAT).
Protein change: p.Ser167fs; shifts the reading frame from serine 167.
Molecular consequence: frameshift variant.
Genome position (GRCh38, 1-based): chr12:51,913,745-51,913,763, CTGAGCAGGGCGACAGCAT deleted; deleting any 19 consecutive bases within chr12:51,913,740-51,913,763 gives the same sequence; the c. name uses the placement nearest the transcript's 3' end. VCF-style (leftmost placement, unchanged base first): chr12-51913739-AAGCATCTGAGCAGGGCGAC-A. GRCh37 (hg19) VCF-style: chr12-52307523-AAGCATCTGAGCAGGGCGAC-A.
Other names: c.500_518del, p.Ser167fs (NM_001077401.2); short protein forms S167fs.
Identifiers: ClinVar variation 1456160 (VCV001456160.6), dbSNP rs2139067828, ClinGen allele CA2573148778.